The following is an entry in ClinVar:

NM_014915.3(ANKRD26):c.2479G>C (p.Val827Leu)

Gene: ANKRD26 (ankyrin repeat domain 26; minus strand). Cytogenetic location: 10p12.1.
Variant type: single nucleotide variant.
Coding change: c.2479G>C on transcript NM_014915.3 (MANE Select); coding-DNA position 2479, G replaced by C.
Protein change: p.Val827Leu; replaces valine 827 with leucine.
Molecular consequence: missense variant.
Genome position (GRCh38, 1-based): chr10:27,037,951, C>G on the plus strand (G>C on the coding strand, the complement: ANKRD26 is on the minus strand). VCF-style: chr10-27037951-C-G. GRCh37 (hg19) VCF-style: chr10-27326880-C-G.
Other names: c.2476G>C, p.Val826Leu (NM_001256053.2); short protein forms V826L, V827L.
Identifiers: ClinVar variation 4859390 (VCV004859390.1).

ClinVar aggregate classification (germline): Uncertain significance (1 of 4 stars; one submission).

Conditions:
Inborn genetic diseases. Identifiers: MedGen C0950123, MeSH D030342.

gnomAD v4.1: 1 of 1,613,194 alleles (0.000062%); highest among the groups gnomAD compares: Non-Finnish European, 0.000085%; no homozygotes.

Submission:

Ambry Genetics
Classification: Uncertain significance for Inborn genetic diseases. Last evaluated: 2026-04-19. Review status: criteria provided, single submitter. Criteria: Ambry Variant Classification Scheme 2023. Collection method: clinical testing. Allele origin: germline.
Comment: The p.V827L variant (also known as c.2479G>C), located in coding exon 22 of the ANKRD26 gene, results from a G to C substitution at nucleotide position 2479. The valine at codon 827 is replaced by leucine, an amino acid with highly similar properties. This amino acid position is conserved. In addition, this alteration is predicted to be tolerated by in silico analysis. Based on the available evidence, the clinical significance of this variant remains unclear.